The following is an entry in ClinVar:

ClinVar aggregate classification (germline): Uncertain significance (1 of 4 stars; one submission).

Conditions:
Mucopolysaccharidosis type 1. Also called: IDUA deficiency; MPS I. Identifiers: Orphanet 579, MedGen C0023786, MONDO:0001586.

Allele frequency attached by ClinVar (database versions not stated): gnomAD 0.00001; TOPMed 0.00001.
gnomAD v4.1: 31 of 1,563,688 alleles (0.002%); highest among the groups gnomAD compares: Admixed American, 0.0058%; no homozygotes.

Submission:

Labcorp Genetics (formerly Invitae), Labcorp
Classification: Uncertain significance for Mucopolysaccharidosis type 1. Last evaluated: 2021-09-01. Review status: criteria provided, single submitter. Criteria: Invitae Variant Classification Sherloc (09022015). Collection method: clinical testing. Allele origin: germline.
Comment: This sequence change replaces glutamine with histidine at codon 380 of the IDUA protein (p.Gln380His). The glutamine residue is moderately conserved and there is a small physicochemical difference between glutamine and histidine. This variant is not present in population databases (ExAC no frequency). This variant has not been reported in the literature in individuals affected with IDUA-related conditions. Algorithms developed to predict the effect of missense changes on protein structure and function output the following: SIFT: "Tolerated"; PolyPhen-2: "Benign"; Align-GVGD: "Class C0". The histidine amino acid residue is found in multiple mammalian species, which suggests that this missense change does not adversely affect protein function. In summary, the available evidence is currently insufficient to determine the role of this variant in disease. Therefore, it has been classified as a Variant of Uncertain Significance.

NM_000203.5(IDUA):c.1140G>T (p.Gln380His)

Gene: IDUA (alpha-L-iduronidase; plus strand). Cytogenetic location: 4p16.3.
Variant type: single nucleotide variant.
Coding change: c.1140G>T on transcript NM_000203.5 (MANE Select); coding-DNA position 1140, G replaced by T.
Protein change: p.Gln380His; replaces glutamine 380 with histidine.
Molecular consequence: missense variant. On other transcripts: non-coding transcript variant (1).
Genome position (GRCh38, 1-based): chr4:1,002,436, G>T. VCF-style: chr4-1002436-G-T. GRCh37 (hg19) VCF-style: chr4-996224-G-T.
Other names: c.744G>T, p.Gln248His (NM_001363576.1); short protein forms Q248H, Q380H.
Identifiers: ClinVar variation 2152404 (VCV002152404.1), dbSNP rs1280484403, ClinGen allele CA355963411.